The following is an entry in ClinVar:

ClinVar aggregate classification (germline): Likely benign. Review status: criteria provided, multiple submitters, no conflicts (2 of 4 stars). 2 submissions from 2 submitters: Likely benign (2). Last evaluated 2026-09-01.

gnomAD v4.1: 16 of 1,614,136 alleles (0.00099%); highest among the groups gnomAD compares: Middle Eastern, 0.05%; no homozygotes.

Submissions (2):

CeGaT Center for Human Genetics Tuebingen
Classification: Likely benign. Last evaluated: 2026-09-01. Review status: criteria provided, single submitter. Criteria: CeGaT Center For Human Genetics Tuebingen Variant Classification Criteria Version 2. Collection method: clinical testing. Allele origin: germline. Affected: yes. Observed: 2 variant alleles.
Comment: MACF1: BP4, BS2

Blueprint Genetics
Classification: Likely benign. Last evaluated: 2024-10-30. Review status: criteria provided, single submitter. Criteria: ACMG Guidelines, 2015. Collection method: clinical testing. Allele origin: germline.

NM_001394062.1(MACF1):c.19214G>A (p.Ser6405Asn)

Gene: MACF1 (microtubule actin crosslinking factor 1; plus strand). Cytogenetic location: 1p34.3.
Variant type: single nucleotide variant.
Coding change: c.19214G>A on transcript NM_001394062.1 (MANE Select); coding-DNA position 19214, G replaced by A.
Protein change: p.Ser6405Asn; replaces serine 6405 with asparagine.
Molecular consequence: missense variant.
Genome position (GRCh38, 1-based): chr1:39,442,823, G>A. VCF-style: chr1-39442823-G-A. GRCh37 (hg19) VCF-style: chr1-39908495-G-A.
Other names: c.7292G>A, p.Ser2431Asn (NM_001397473.1); c.13037G>A, p.Ser4346Asn (NM_012090.5); short protein forms S2431N, S6405N, S4346N.
Identifiers: ClinVar variation 4967875 (VCV004967875.2).
Genomic context (GRCh38, chr1:39,442,823, plus strand): 5'-ACAAAGCTGGCAATGAGCTTCTTGAATCCAGTGCTGGAGATGATGCCAGCAGCTTAAGGA[G>A]CCGTTTGGAAGCCATGAACCAATGCTGGGAGTCAGTGTTACAGAAAACAGAGGAGAGGGA-3'
Protein context (NP_001380991.1, residues 6395-6415): SAGDDASSLR[Ser6405Asn]RLEAMNQCWE